The following is an entry in ClinVar:

ClinVar aggregate classification (germline): Uncertain significance. Review status: criteria provided, multiple submitters, no conflicts (2 of 4 stars). 4 submissions from 4 submitters: Uncertain significance (4). Last evaluated 2026-01-29.

Conditions:
Cardiac arrhythmia. Also called: Cardiac rhythm disease; Arrhythmia. Identifiers: MedGen C0003811, MONDO:0007263, HP:0011675.
Long QT syndrome (LQTS). Identifiers: MedGen C0023976, MeSH D008133, MONDO:0002442. Disease mechanism: loss of function. Inheritance: Various modes of inheritance.

Allele frequency attached by ClinVar (database versions not stated): gnomAD exomes 0.00002; ExAC 0.00003; gnomAD 0.00003 and 0.00004; TOPMed 0.00003.
gnomAD v4.1: 36 of 1,575,568 alleles (0.0023%); highest among the groups gnomAD compares: African/African-American, 0.0041%; no homozygotes.

Submissions (4):

Labcorp Genetics (formerly Invitae), Labcorp
Classification: Uncertain significance for Long QT syndrome. Last evaluated: 2026-01-29. Review status: criteria provided, single submitter. Criteria: Invitae Variant Classification Sherloc (09022015). Collection method: clinical testing. Allele origin: germline.
Comment: This sequence change replaces aspartic acid, which is acidic and polar, with asparagine, which is neutral and polar, at codon 649 of the KCNQ1 protein (p.Asp649Asn). The frequency data for this variant in the population databases is considered unreliable, as metrics indicate poor data quality at this position in the gnomAD database. This missense change has been observed in individual(s) with lone atrial fibrillation (PMID: 23710137). ClinVar contains an entry for this variant (Variation ID: 925375). Invitae Evidence Modeling of protein sequence and biophysical properties (such as structural, functional, and spatial information, amino acid conservation, physicochemical variation, residue mobility, and thermodynamic stability) indicates that this missense variant is not expected to disrupt KCNQ1 protein function with a negative predictive value of 95%. Experimental studies have shown that this missense change affects KCNQ1 function (PMID: 34930020). In summary, the available evidence is currently insufficient to determine the role of this variant in disease. Therefore, it has been classified as a Variant of Uncertain Significance.

Color Diagnostics, LLC DBA Color Health
Classification: Uncertain significance for Cardiac arrhythmia. Last evaluated: 2024-08-29. Review status: criteria provided, single submitter. Criteria: ACMG Guidelines, 2015. Collection method: clinical testing. Allele origin: germline.
Comment: This missense variant replaces aspartic acid with asparagine at codon 649 of the KCNQ1 protein. Computational prediction suggests that this variant may not impact protein structure and function. To our knowledge, functional studies have not been reported for this variant. This variant has not been reported in individuals affected with long QT syndrome. In a small atrial fibrillation case-control analysis in a Chinese population, this variant was observed at over 2% frequency in both affected and unaffected groups, indicating that this variant may be a common polymorphism in this population (PMID: 23710137). This variant has been identified in 5/218166 chromosomes in the general population by the Genome Aggregation Database (gnomAD). The available evidence is insufficient to determine the role of this variant in disease conclusively. Therefore, this variant is classified as a Variant of Uncertain Significance.

Blueprint Genetics
Classification: Uncertain significance. Last evaluated: 2023-07-21. Review status: criteria provided, single submitter. Criteria: ACMG Guidelines, 2015. Collection method: clinical testing. Allele origin: germline.

Women's Health and Genetics/Laboratory Corporation of America, LabCorp
Classification: Uncertain significance. Last evaluated: 2022-12-12. Review status: criteria provided, single submitter. Criteria: LabCorp Variant Classification Summary - May 2015. Collection method: clinical testing. Allele origin: germline.
Comment: Variant summary: KCNQ1 c.1945G>A (p.Asp649Asn) results in a conservative amino acid change in the encoded protein sequence. Four of five in-silico tools predict a benign effect of the variant on protein function. The variant allele was found at a frequency of 2.1e-05 in 186858 control chromosomes. The available data on variant occurrences in the general population are insufficient to allow any conclusion about variant significance. c.1945G>A has been reported in the literature in a study of individuals affected with lone atrial fibrillation as well as unaffected controls (example, Chu_2013). These report(s) do not provide unequivocal conclusions about association of the variant with Arrhythmia/Long QT syndrome. One functional study assessed in vitro electrophysiology for the variant compared to wild-type and found the variant to have near normal in vitro function (Glazer_2022). Two clinical diagnostic laboratories have submitted clinical-significance assessments for this variant to ClinVar after 2014 without evidence for independent evaluation. One laboratory classified the variant as benign/likely benign, and one laboratory classified the variant as uncertain significance. Based on the evidence outlined above, the variant was classified as VUS - possibly benign.

Literature cited by the submitters: PubMed 23710137 (cited by 3 submitters); PubMed 34930020 (cited by Labcorp Genetics (formerly Invitae), Labcorp and Women's Health and Genetics/Laboratory Corporation of America, LabCorp).

NM_000218.3(KCNQ1):c.1945G>A (p.Asp649Asn)

Genes: KCNQ1 (potassium voltage-gated channel subfamily Q member 1; plus strand), KCNQ1-AS1 (KCNQ1 antisense RNA 1; minus strand). Cytogenetic location: 11p15.4.
Variant type: single nucleotide variant.
Coding change: c.1945G>A on transcript NM_000218.3 (MANE Select); coding-DNA position 1945, G replaced by A.
Protein change: p.Asp649Asn; replaces aspartic acid 649 with asparagine.
Molecular consequence: missense variant.
Genome position (GRCh38, 1-based): chr11:2,847,917, G>A. VCF-style: chr11-2847917-G-A. GRCh37 (hg19) VCF-style: chr11-2869147-G-A.
Other names: c.1849G>A, p.Asp617Asn (NM_001406836.1); c.1675G>A, p.Asp559Asn (NM_001406837.1); c.1405G>A, p.Asp469Asn (NM_001406838.1); c.457G>A, p.Asp153Asn (NM_001406839.1); c.1564G>A, p.Asp522Asn (NM_181798.2); short protein forms D522N, D649N, D469N, D559N, D617N, D153N.
Identifiers: ClinVar variation 925375 (VCV000925375.17), dbSNP rs781333509, ClinGen allele CA033865.